The following is an entry in ClinVar:

ClinVar aggregate classification (germline): Uncertain significance (1 of 4 stars; one submission).

Submission:

Labcorp Genetics (formerly Invitae), Labcorp
Classification: Uncertain significance. Last evaluated: 2023-09-27. Review status: criteria provided, single submitter. Criteria: Invitae Variant Classification Sherloc (09022015). Collection method: clinical testing. Allele origin: germline.
Comment: This sequence change replaces valine, which is neutral and non-polar, with leucine, which is neutral and non-polar, at codon 1167 of the LRP2 protein (p.Val1167Leu). This variant is not present in population databases (gnomAD no frequency). In summary, the available evidence is currently insufficient to determine the role of this variant in disease. Therefore, it has been classified as a Variant of Uncertain Significance. Advanced modeling of protein sequence and biophysical properties (such as structural, functional, and spatial information, amino acid conservation, physicochemical variation, residue mobility, and thermodynamic stability) performed at Invitae indicates that this missense variant is not expected to disrupt LRP2 protein function. This variant has not been reported in the literature in individuals affected with LRP2-related conditions.

NM_004525.3(LRP2):c.3499G>C (p.Val1167Leu)

Gene: LRP2 (LDL receptor related protein 2; minus strand). Cytogenetic location: 2q31.1.
Variant type: single nucleotide variant.
Coding change: c.3499G>C on transcript NM_004525.3 (MANE Select); coding-DNA position 3499, G replaced by C.
Protein change: p.Val1167Leu; replaces valine 1167 with leucine.
Molecular consequence: missense variant.
Genome position (GRCh38, 1-based): chr2:169,243,454, C>G on the plus strand (G>C on the coding strand, the complement: LRP2 is on the minus strand). VCF-style: chr2-169243454-C-G. GRCh37 (hg19) VCF-style: chr2-170099964-C-G.
Other names: short protein forms V1167L.
Identifiers: ClinVar variation 2761384 (VCV002761384.3), dbSNP rs1216419792, ClinGen allele CA349150318.